The following is an entry in ClinVar:

ClinVar aggregate classification (germline): Likely benign (1 of 4 stars; one submission).

Allele frequency attached by ClinVar (database versions not stated): ExAC 0.00325.

Submission:

CeGaT Center for Human Genetics Tuebingen
Classification: Likely benign. Last evaluated: 2026-09-01. Review status: criteria provided, single submitter. Criteria: CeGaT Center For Human Genetics Tuebingen Variant Classification Criteria Version 2. Collection method: clinical testing. Allele origin: germline. Affected: yes. Observed: 14 variant alleles.
Comment: HLA-DRB1: BP4, BP7

NM_002124.4(HLA-DRB1):c.780G>A (p.Gln260=)

Gene: HLA-DRB1 (major histocompatibility complex, class II, DR beta 1; minus strand). Cytogenetic location: 6p21.32.
Variant type: single nucleotide variant.
Coding change: c.780G>A on transcript NM_002124.4 (MANE Select); coding-DNA position 780, G replaced by A.
Protein change: p.Gln260=; no amino-acid change (glutamine 260 retained).
Molecular consequence: synonymous variant.
Genome position (GRCh38, 1-based): chr6:32,580,254, C>T on the plus strand (G>A on the coding strand, the complement: HLA-DRB1 is on the minus strand). VCF-style: chr6-32580254-C-T. GRCh37 (hg19) VCF-style: chr6-32548031-C-T.
Identifiers: ClinVar variation 2656457 (VCV002656457.24), dbSNP rs192487435, ClinGen allele CA3742752.